The following is an entry in ClinVar:

ClinVar aggregate classification (germline): Uncertain significance (1 of 4 stars; one submission).

Conditions:
Myofibrillar myopathy 4. Also called: Zaspopathy (type). Identifiers: Orphanet 98912, MedGen C4721886, MONDO:0012277, OMIM 609452.

gnomAD v4.1: 4 of 1,613,296 alleles (0.00025%); highest among the groups gnomAD compares: South Asian, 0.0033%; no homozygotes.

Submission:

Labcorp Genetics (formerly Invitae), Labcorp
Classification: Uncertain significance for Myofibrillar myopathy 4. Last evaluated: 2024-10-16. Review status: criteria provided, single submitter. Criteria: Invitae Variant Classification Sherloc (09022015). Collection method: clinical testing. Allele origin: germline.
Comment: This sequence change replaces arginine, which is basic and polar, with leucine, which is neutral and non-polar, at codon 259 of the LDB3 protein (p.Arg259Leu). This variant is not present in population databases (gnomAD no frequency). This variant has not been reported in the literature in individuals affected with LDB3-related conditions. An algorithm developed to predict the effect of missense changes on protein structure and function (PolyPhen-2) suggests that this variant is likely to be tolerated. In summary, the available evidence is currently insufficient to determine the role of this variant in disease. Therefore, it has been classified as a Variant of Uncertain Significance.

NM_001368067.1(LDB3):c.776G>T (p.Arg259Leu)

Gene: LDB3 (LIM domain binding 3; plus strand). Cytogenetic location: 10q23.2.
Variant type: single nucleotide variant.
Coding change: c.776G>T on transcript NM_001368067.1 (MANE Plus Clinical); coding-DNA position 776, G replaced by T.
Protein change: p.Arg259Leu; replaces arginine 259 with leucine.
Molecular consequence: missense variant. On other transcripts: intron variant (6).
Genome position (GRCh38, 1-based): chr10:86,699,298, G>T. VCF-style: chr10-86699298-G-T. GRCh37 (hg19) VCF-style: chr10-88459055-G-T.
Other names: c.917G>T, p.Arg306Leu (NM_001080115.2, NM_001368063.1); c.776G>T, p.Arg259Leu (NM_001080116.1, NM_001368068.1); c.1121G>T, p.Arg374Leu (NM_001171611.2); c.896+6727G>T (NM_001368064.1, NM_007078.3, NM_001368065.1); c.1100+6727G>T (NM_001171610.2); c.755+6727G>T (NM_001368066.1, NM_001080114.2); short protein forms R259L, R306L, R374L.
Identifiers: ClinVar variation 3674320 (VCV003674320.2).
Genomic context (GRCh38, chr10:86,699,298, plus strand): 5'-TTTCTCTCTCTCTCTCTCTCTCTCTCTCTCTGTGCCACAGGGAAAGGTTTGAAACGGAAC[G>T]TAACAGCCCACGTTTTGCCAAATTGCGCAACTGGCACCATGGCCTTTCAGCCCAAATCCT-3'
Protein context (NP_001354996.1, residues 249-269): RRSRERFETE[Arg259Leu]NSPRFAKLRN